The following is an entry in ClinVar:

ClinVar aggregate classification (germline): Likely benign. Review status: criteria provided, multiple submitters, no conflicts (2 of 4 stars). 4 submissions from 4 submitters: Likely benign (4). Last evaluated 2025-09-27.

Conditions:
Cardiomyopathy (CMYO). Also called: Cardiomyopathies. Identifiers: Orphanet 167848, MedGen C0878544, MONDO:0004994, HP:0001638. Inheritance: Various modes of inheritance.
Cardiovascular phenotype. Identifiers: MedGen CN230736.
Hypertrophic cardiomyopathy. Also called: HYPERTROPHIC MYOCARDIOPATHY. Identifiers: Orphanet 217569, MedGen C0007194, MeSH D002312, MONDO:0005045, HP:0001639.

Allele frequency attached by ClinVar (database versions not stated): gnomAD 0.00001; TOPMed 0.00003.
gnomAD v4.1: 22 of 1,598,748 alleles (0.0014%); highest among the groups gnomAD compares: East Asian, 0.0068%; no homozygotes.

Submissions (4):

Labcorp Genetics (formerly Invitae), Labcorp
Classification: Likely benign for Hypertrophic cardiomyopathy. Last evaluated: 2025-09-27. Review status: criteria provided, single submitter. Criteria: Invitae Variant Classification Sherloc (09022015). Collection method: clinical testing. Allele origin: germline.

All of Us Research Program, National Institutes of Health
Classification: Likely benign for Hypertrophic cardiomyopathy. Last evaluated: 2024-02-05. Review status: criteria provided, single submitter. Criteria: ACMG Guidelines, 2015. Collection method: clinical testing. Allele origin: germline. Inheritance: Autosomal dominant inheritance. Observed: 9 variant alleles, 9 heterozygotes.
Comment: This study involves interpretation of variants in research participants for the purpose of population health screening. Participant phenotype was not available at the time of variant classification. Additional details can be found in publication PMID: 35346344, PMCID: PMC8962531

Ambry Genetics
Classification: Likely benign for Cardiovascular phenotype. Last evaluated: 2020-03-25. Review status: criteria provided, single submitter. Criteria: Ambry Variant Classification Scheme 2023. Collection method: clinical testing. Allele origin: germline.

Color Diagnostics, LLC DBA Color Health
Classification: Likely benign for Cardiomyopathy. Last evaluated: 2018-11-18. Review status: criteria provided, single submitter. Criteria: ACMG Guidelines, 2015. Collection method: clinical testing. Allele origin: germline.

NM_000256.3(MYBPC3):c.1827C>T (p.Ala609=)

Gene: MYBPC3 (myosin binding protein C3; minus strand). Cytogenetic location: 11p11.2.
Variant type: single nucleotide variant.
Coding change: c.1827C>T on transcript NM_000256.3 (MANE Select); coding-DNA position 1827, C replaced by T.
Protein change: p.Ala609=; no amino-acid change (alanine 609 retained).
Molecular consequence: synonymous variant.
Genome position (GRCh38, 1-based): chr11:47,341,208, G>A on the plus strand (C>T on the coding strand, the complement: MYBPC3 is on the minus strand). VCF-style: chr11-47341208-G-A. GRCh37 (hg19) VCF-style: chr11-47362759-G-A.
Identifiers: ClinVar variation 924990 (VCV000924990.13), dbSNP rs535853707, ClinGen allele CA046957.
Genomic context (GRCh38, chr11:47,341,208, plus strand): 5'-GAGCTTGGCTGACAGGTTGCAGGCGAAGCCCTCGGGCACAAAGCTGTAGTCAGCCTCGTC[G>A]GCAGGTGTGACGTCGTCAATGGTCAGTTTGTGGACCCTGCAGGGGAGCAGTGGCTCAGGG-3'
Protein context (NP_000247.2, residues 599-619): HKLTIDDVTP[Ala609=]DEADYSFVPE